The following is an entry in ClinVar:

NM_000051.4(ATM):c.7841C>T (p.Pro2614Leu)

Genes: ATM (ATM serine/threonine kinase; plus strand), C11orf65 (chromosome 11 open reading frame 65; minus strand). Cytogenetic location: 11q22.3.
Variant type: single nucleotide variant.
Coding change: c.7841C>T on transcript NM_000051.4 (MANE Select); coding-DNA position 7841, C replaced by T.
Protein change: p.Pro2614Leu; replaces proline 2614 with leucine.
Molecular consequence: missense variant. On other transcripts: intron variant (2).
Genome position (GRCh38, 1-based): chr11:108,332,814, C>T. VCF-style: chr11-108332814-C-T. GRCh37 (hg19) VCF-style: chr11-108203541-C-T.
Other names: c.7841C>T, p.Pro2614Leu (NM_001351834.2); c.641-23743G>A (NM_001330368.2); c.*38+2406G>A (NM_001351110.2); short protein forms P2614L.
Identifiers: ClinVar variation 485181 (VCV000485181.52), dbSNP rs769207177, ClinGen allele CA6266201.

ClinVar aggregate classification (germline): Conflicting classifications of pathogenicity. Review status: criteria provided, conflicting classifications (1 of 4 stars). 3 submissions from 3 submitters: Uncertain significance (2); Likely benign (1). Last evaluated 2025-11-04.

Conditions:
Hereditary cancer-predisposing syndrome. Also called: Neoplastic Syndromes, Hereditary; Hereditary Cancer Syndrome; Tumor predisposition; Hereditary neoplastic syndrome. Identifiers: Orphanet 140162, MedGen C0027672, MeSH D009386, MONDO:0015356.
Ataxia-telangiectasia syndrome (AT). Also called: LOUIS-BAR SYNDROME; Cerebello-oculocutaneous telangiectasia; Immunodeficiency with ataxia telangiectasia; Ataxia-telangiectasia, complementation group D; AT, COMPLEMENTATION GROUP C; Ataxia-telangiectasia, complementation group E. Identifiers: Orphanet 100, MedGen C0004135, MONDO:0008840, OMIM 208900.

Allele frequency attached by ClinVar (database versions not stated): gnomAD exomes below 0.00001; ExAC 0.00001.
gnomAD v4.1: 2 of 1,613,274 alleles (0.00012%); highest among the groups gnomAD compares: Non-Finnish European, 0.00017%; no homozygotes.

Submissions (3):

Labcorp Genetics (formerly Invitae), Labcorp
Classification: Uncertain significance for Ataxia-telangiectasia syndrome. Last evaluated: 2025-11-04. Review status: criteria provided, single submitter. Criteria: Invitae Variant Classification Sherloc (09022015). Collection method: clinical testing. Allele origin: germline.
Comment: This sequence change replaces proline, which is neutral and non-polar, with leucine, which is neutral and non-polar, at codon 2614 of the ATM protein (p.Pro2614Leu). This variant is present in population databases (rs769207177, gnomAD 0.0009%). This variant has not been reported in the literature in individuals affected with ATM-related conditions. ClinVar contains an entry for this variant (Variation ID: 485181). Invitae Evidence Modeling of protein sequence and biophysical properties (such as structural, functional, and spatial information, amino acid conservation, physicochemical variation, residue mobility, and thermodynamic stability) indicates that this missense variant is not expected to disrupt ATM protein function with a negative predictive value of 95%. In summary, the available evidence is currently insufficient to determine the role of this variant in disease. Therefore, it has been classified as a Variant of Uncertain Significance.

Color Diagnostics, LLC DBA Color Health
Classification: Likely benign for Hereditary cancer-predisposing syndrome. Last evaluated: 2025-02-25. Review status: criteria provided, single submitter. Criteria: ACMG Guidelines, 2015. Collection method: clinical testing. Allele origin: germline.

Ambry Genetics
Classification: Uncertain significance for Hereditary cancer-predisposing syndrome. Last evaluated: 2023-07-17. Review status: criteria provided, single submitter. Criteria: Ambry Variant Classification Scheme 2023. Collection method: clinical testing. Allele origin: germline.
Comment: The p.P2614L variant (also known as c.7841C>T), located in coding exon 52 of the ATM gene, results from a C to T substitution at nucleotide position 7841. The proline at codon 2614 is replaced by leucine, an amino acid with similar properties. In a study of whole-exome sequencing in patients with features of Cowden syndrome (CS) or Bannayan-Riley-Ruvalcaba syndrome (BRRS) and negative PTEN testing, this alteration was identified in 0/87 patients with CS or BRRS and 1/3476 patients from The Cancer Genome Atlas (TCGA) (Yehia L et al. PLoS Genet, 2018 04;14:e1007352). This amino acid position is poorly conserved in available vertebrate species. In addition, this alteration is predicted to be tolerated by in silico analysis. Since supporting evidence is limited at this time, the clinical significance of this alteration remains unclear.

Literature cited by the submitters: PubMed 29684080 (cited by Ambry Genetics).